The following is an entry in ClinVar:

ClinVar aggregate classification (germline): Conflicting classifications of pathogenicity. Review status: criteria provided, conflicting classifications (1 of 4 stars). 3 submissions from 3 submitters: Uncertain significance (1); Likely benign (2). Last evaluated 2024-08-12.

Conditions:
Autosomal recessive limb-girdle muscular dystrophy type 2K. Also called: MUSCULAR DYSTROPHY-DYSTROGLYCANOPATHY (LIMB-GIRDLE), TYPE C, 1; MUSCULAR DYSTROPHY, LIMB-GIRDLE, TYPE 2K. Identifiers: Orphanet 86812, MedGen C1836373, MONDO:0012248, OMIM 609308.
Muscular dystrophy-dystroglycanopathy (congenital with impaired intellectual development), type B, 1. Also called: Muscular dystrophy-dystroglycanopathy (congenital with intellectual disability), type B1; MUSCULAR DYSTROPHY, CONGENITAL, POMT1-RELATED. Identifiers: MedGen C5436962, MONDO:0013159, OMIM 613155.
Walker-Warburg congenital muscular dystrophy. Also called: Muscular dystrophy-dystroglycanopathy, type A; Walker-Warburg syndrome. Identifiers: Orphanet 899, MedGen C0265221, MONDO:0000171.

Allele frequency attached by ClinVar (database versions not stated): gnomAD exomes 0.00003 and 0.00004; gnomAD 0.00005 and 0.00006; ExAC 0.00007; TOPMed 0.00010.
gnomAD v4.1: 65 of 1,598,092 alleles (0.0041%); highest among the groups gnomAD compares: Admixed American, 0.015%; no homozygotes.

Submissions (3):

Labcorp Genetics (formerly Invitae), Labcorp
Classification: Likely benign for Muscular dystrophy-dystroglycanopathy (congenital with impaired intellectual development), type B, 1; Walker-Warburg congenital muscular dystrophy; Autosomal recessive limb-girdle muscular dystrophy type 2K. Last evaluated: 2024-08-12. Review status: criteria provided, single submitter. Criteria: Invitae Variant Classification Sherloc (09022015). Collection method: clinical testing. Allele origin: germline.

GeneDx
Classification: Likely benign. Last evaluated: 2020-11-09. Review status: criteria provided, single submitter. Criteria: GeneDx Variant Classification Process June 2021. Collection method: clinical testing. Allele origin: germline. Affected: yes.
Comment: This variant is associated with the following publications: (PMID: 16575835)

Eurofins Ntd Llc (ga)
Classification: Uncertain significance. Last evaluated: 2017-01-13. Review status: criteria provided, single submitter. Criteria: EGL Classification Definitions 2015. Collection method: clinical testing. Allele origin: germline. Observed: 2 variant alleles, 2 heterozygotes.

NM_001077365.2(POMT1):c.2031C>T (p.Ser677=)

Gene: POMT1 (protein O-mannosyltransferase 1; plus strand). Cytogenetic location: 9q34.13.
Variant type: single nucleotide variant.
Coding change: c.2031C>T on transcript NM_001077365.2 (MANE Select); coding-DNA position 2031, C replaced by T.
Protein change: p.Ser677=; no amino-acid change (serine 677 retained).
Molecular consequence: synonymous variant. On other transcripts: non-coding transcript variant (10).
Genome position (GRCh38, 1-based): chr9:131,522,959, C>T. VCF-style: chr9-131522959-C-T. GRCh37 (hg19) VCF-style: chr9-134398346-C-T.
Other names: c.1869C>T, p.Ser623= (NM_001077366.2, NM_001353194.2); c.2031C>T, p.Ser677= (NM_001136113.2); c.1680C>T, p.Ser560= (NM_001136114.2, NM_001353195.2, NM_001374691.1 and 2 more transcripts); c.2097C>T, p.Ser699= (NM_001353193.2, NM_007171.4); c.1941C>T, p.Ser647= (NM_001353196.2); c.1935C>T, p.Ser645= (NM_001353197.2, NM_001353198.2); c.1746C>T, p.Ser582= (NM_001353199.2); c.1575C>T, p.Ser525= (NM_001353200.2); and 3 more.
Identifiers: ClinVar variation 499640 (VCV000499640.17), dbSNP rs778418119, ClinGen allele CA5293922.